The following is an entry in ClinVar:

NM_001282874.2(SMARCA1):c.2818-8A>G

Gene: SMARCA1 (SNF2 related chromatin remodeling ATPase 1; minus strand). Cytogenetic location: Xq25.
Variant type: single nucleotide variant.
Coding change: c.2818-8A>G on transcript NM_001282874.2 (MANE Select); 8 bases into the intron before coding-DNA position 2818, A replaced by G.
Molecular consequence: intron variant.
Genome position (GRCh38, 1-based): chrX:129,465,740, T>C on the plus strand (A>G on the coding strand, the complement: SMARCA1 is on the minus strand). VCF-style: chrX-129465740-T-C. GRCh37 (hg19) VCF-style: chrX-128599717-T-C.
Other names: c.2782-8A>G (NM_001282875.2, NM_001378264.1, NM_001378263.1 and 1 more transcripts); c.2818-8A>G (NM_001378261.1, NM_003069.5).
Identifiers: ClinVar variation 3899531 (VCV003899531.1).

ClinVar aggregate classification (germline): Uncertain significance (1 of 4 stars; one submission).

Submission:

GeneDx
Classification: Uncertain significance. Last evaluated: 2024-03-06. Review status: criteria provided, single submitter. Criteria: GeneDx Variant Classification Process June 2021. Collection method: clinical testing. Allele origin: germline. Affected: yes.
Comment: Not observed at significant frequency in large population cohorts (gnomAD); In silico analysis supports a deleterious effect on splicing; Has not been previously published as pathogenic or benign to our knowledge; Variants in candidate genes are classified as variants of uncertain significance in accordance with ACMG guidelines (PMID: 25741868)